The following is an entry in ClinVar:

NM_174878.3(CLRN1):c.183G>A (p.Met61Ile)

Gene: CLRN1 (clarin 1; minus strand). Cytogenetic location: 3q25.1.
Variant type: single nucleotide variant.
Coding change: c.183G>A on transcript NM_174878.3 (MANE Select); coding-DNA position 183, G replaced by A.
Protein change: p.Met61Ile; replaces methionine 61 with isoleucine.
Molecular consequence: missense variant. On other transcripts: non-coding transcript variant (1).
Genome position (GRCh38, 1-based): chr3:150,972,526, C>T on the plus strand (G>A on the coding strand, the complement: CLRN1 is on the minus strand). VCF-style: chr3-150972526-C-T. GRCh37 (hg19) VCF-style: chr3-150690313-C-T.
Other names: c.183G>A, p.Met61Ile (NM_001195794.1, NM_001256819.2); short protein forms M61I.
Identifiers: ClinVar variation 501869 (VCV000501869.21), dbSNP rs140094683, ClinGen allele CA2666195.
Genomic context (GRCh38, chr3:150,972,526, plus strand): 5'-AAAGGGCCTTGCTCCCAACCCACACTGCCTCACACCCTCTCCGTGGAAAAGCCCGTACTG[C>T]ATTTCACCCATAAACTTGTCCAGCTCCTGCCCTGAGGCATTGACGAGCAGAGCTCCCGTT-3'
Protein context (NP_777367.1, residues 51-71): GQELDKFMGE[Met61Ile]QYGLFHGEGV

ClinVar aggregate classification (germline): Conflicting classifications of pathogenicity. Review status: criteria provided, conflicting classifications (1 of 4 stars). 9 submissions from 9 submitters: Uncertain significance (5); Likely benign (1). 3 of the submissions do not count toward it. Last evaluated 2025-05-27.

Conditions:
CLRN1-related disorder. Also called: CLRN1-related condition.
Usher syndrome type 3A (USH3A). Also called: USHER SYNDROME, TYPE IIIA. Identifiers: MedGen C5779850, MONDO:0010170, OMIM 276902.
Retinal dystrophy. Also called: Inherited retinal dystrophy. Identifiers: Orphanet 71862, MedGen C0854723, MeSH D058499, MONDO:0019118, HP:0000556.
Usher syndrome type 3. Also called: Usher Syndrome, Type III. Identifiers: Orphanet 231183, MedGen C1568248, MONDO:0016485.
Inborn genetic diseases. Identifiers: MedGen C0950123, MeSH D030342.

Allele frequency attached by ClinVar (database versions not stated): gnomAD 0.00012 and 0.00017; ExAC 0.00013; ESP Exome Variant Server 0.00015; TOPMed 0.00015; 1000 Genomes Project 30x 0.00016; gnomAD exomes 0.00016; 1000 Genomes Project 0.00020.
gnomAD v4.1: 296 of 1,614,242 alleles (0.018%); highest among the groups gnomAD compares: Middle Eastern, 0.13%; no homozygotes.

Submissions (9):

Ambry Genetics
Classification: Uncertain significance for Inborn genetic diseases. Last evaluated: 2025-05-27. Review status: criteria provided, single submitter. Criteria: Ambry Variant Classification Scheme 2023. Collection method: clinical testing. Allele origin: germline.

Blueprint Genetics
Classification: Likely benign. Last evaluated: 2024-11-15. Review status: criteria provided, single submitter. Criteria: ACMG Guidelines, 2015. Collection method: clinical testing. Allele origin: germline.

Labcorp Genetics (formerly Invitae), Labcorp
Classification: Uncertain significance. Last evaluated: 2024-10-26. Review status: criteria provided, single submitter. Criteria: Invitae Variant Classification Sherloc (09022015). Collection method: clinical testing. Allele origin: germline.
Comment: This sequence change replaces methionine, which is neutral and non-polar, with isoleucine, which is neutral and non-polar, at codon 61 of the CLRN1 protein (p.Met61Ile). This variant is present in population databases (rs140094683, gnomAD 0.03%). This variant has not been reported in the literature in individuals affected with CLRN1-related conditions. ClinVar contains an entry for this variant (Variation ID: 501869). An algorithm developed to predict the effect of missense changes on protein structure and function outputs the following: PolyPhen-2: "Benign". The isoleucine amino acid residue is found in multiple mammalian species, which suggests that this missense change does not adversely affect protein function. In summary, the available evidence is currently insufficient to determine the role of this variant in disease. Therefore, it has been classified as a Variant of Uncertain Significance.

Genome-Nilou Lab
Classification: Uncertain significance for Usher syndrome type 3A. Last evaluated: 2021-07-14. Review status: criteria provided, single submitter. Criteria: ACMG Guidelines, 2015. Collection method: clinical testing. Allele origin: germline. Affected: no.

Illumina Laboratory Services, Illumina
Classification: Uncertain significance for Usher syndrome type 3A. Last evaluated: 2018-01-13. Review status: criteria provided, single submitter. Criteria: ICSL Variant Classification Criteria 13 December 2019. Collection method: clinical testing. Allele origin: germline.

Eurofins Ntd Llc (ga)
Classification: Uncertain significance. Last evaluated: 2017-05-17. Review status: criteria provided, single submitter. Criteria: EGL Classification Definitions 2015. Collection method: clinical testing. Allele origin: germline. Observed: 1 variant allele, 1 heterozygote.

PreventionGenetics, part of Exact Sciences
Classification: Uncertain significance for CLRN1-related condition. Last evaluated: 2024-06-21. Review status: no assertion criteria provided. Collection method: clinical testing. Allele origin: germline. Not counted in ClinVar's aggregate classification.
Comment: The CLRN1 c.183G>A variant is predicted to result in the amino acid substitution p.Met61Ile. To our knowledge, this variant has not been reported in the literature. This variant is reported in 0.028% of alleles in individuals of European (Non-Finnish) descent in gnomAD. At this time, the clinical significance of this variant is uncertain due to the absence of conclusive functional and genetic evidence.

Institute of Human Genetics, Univ. Regensburg, Univ. Regensburg
Classification: Uncertain significance for Retinal dystrophy. Last evaluated: 2023-01-01. Review status: no assertion criteria provided. Criteria: ACMG Guidelines, 2015. Collection method: clinical testing. Allele origin: germline. Affected: yes. Not counted in ClinVar's aggregate classification.

Natera, Inc.
Classification: Uncertain significance for Usher syndrome type 3A. Last evaluated: 2020-06-04. Review status: no assertion criteria provided. Collection method: clinical testing. Allele origin: germline. Not counted in ClinVar's aggregate classification.